The following is an entry in ClinVar:

NM_007294.4(BRCA1):c.5277+2T>C

Gene: BRCA1 (BRCA1 DNA repair associated; minus strand). Cytogenetic location: 17q21.31.
Variant type: single nucleotide variant.
Coding change: c.5277+2T>C on transcript NM_007294.4 (MANE Select); the canonical splice donor site of the intron after coding-DNA position 5277, T replaced by C.
Molecular consequence: splice donor variant.
Genome position (GRCh38, 1-based): chr17:43,057,050, A>G on the plus strand (T>C on the coding strand, the complement: BRCA1 is on the minus strand). VCF-style: chr17-43057050-A-G. GRCh37 (hg19) VCF-style: chr17-41209067-A-G.
Other names: c.5271+2T>C (NM_001407632.1, NM_001407627.1, NM_001407861.1 and 14 more transcripts); c.5274+2T>C (NM_001407613.1, NM_001407618.1, NM_001407614.1 and 17 more transcripts); c.1842+2T>C (NM_001408436.1, NM_001408435.1, NM_001408444.1 and 10 more transcripts); c.5154+2T>C (NM_001407665.1, NM_001407938.1, NM_001407667.1 and 6 more transcripts); c.1965+2T>C (NM_001407980.1, NM_001407993.1, NM_001407985.1 and 12 more transcripts); c.1968+2T>C (NM_001407976.1, NM_001407974.1, NM_001407975.1 and 3 more transcripts); c.5277+2T>C (NM_001407603.1, NM_001407854.1, NM_001407598.1 and 7 more transcripts); c.1833+2T>C (NM_001408451.1); and 72 more.
Identifiers: ClinVar variation 865230 (VCV000865230.3), dbSNP rs2051494815, ClinGen allele CA10590995.
Genomic context (GRCh38, chr17:43,057,050, plus strand): 5'-AGGGGAGTGGAATACAGAGTGGTGGGGTGAGATTTTTGTCAACTTGAGGGAGGGAGCTTT[A>G]CCTTTCTGTCCTGGGATTCTCTTGCTCGCTTTGGACCTTGGTGGTTTCTTCCATTGACCA-3'

Conditions:
Breast-ovarian cancer, familial, susceptibility to, 1 (BROVCA1). Also called: BRCA1 Hereditary Breast and Ovarian Cancer; OVARIAN CANCER, SUSCEPTIBILITY TO. Identifiers: Orphanet 145, MedGen C2676676, MONDO:0011450, OMIM 604370. Disease mechanism: loss of function.

Submission:

Brotman Baty Institute, University of Washington
No classification provided (evidence only). Condition: Breast-ovarian cancer, familial 1. Review status: no classification provided. Collection method: in vitro. Allele origin: not applicable. Functional consequence: functionally_abnormal.
ClinVar note: "not provided" was previously submitted as the classification for the variant. However, the classification appeared to be based only on an observation of functional data so it was converted to no classification on 2025-07-30.